The following is an entry in ClinVar:

ClinVar aggregate classification (germline): Uncertain significance. Review status: criteria provided, multiple submitters, no conflicts (2 of 4 stars). 3 submissions from 3 submitters: Uncertain significance (3). Last evaluated 2025-05-19.

Submissions (3):

GeneDx
Classification: Uncertain significance. Last evaluated: 2025-05-19. Review status: criteria provided, single submitter. Criteria: GeneDx Variant Classification Process June 2021. Collection method: clinical testing. Allele origin: germline. Affected: yes.
Comment: Not observed at significant frequency in large population cohorts (gnomAD); In silico analysis supports that this missense variant has a deleterious effect on protein structure/function; Has not been previously published as pathogenic or benign to our knowledge

Women's Health and Genetics/Laboratory Corporation of America, LabCorp
Classification: Uncertain significance. Last evaluated: 2024-12-30. Review status: criteria provided, single submitter. Criteria: LabCorp Variant Classification Summary - May 2015. Collection method: clinical testing. Allele origin: germline.
Comment: Variant summary: ADGRV1 c.13210C>T (p.Pro4404Ser) results in a non-conservative amino acid change located in the Domains in Na-Ca exchangers and integrin-beta4 (IPR003644) of the encoded protein sequence. Three of five in-silico tools predict a benign effect of the variant on protein function. The variant was absent in 246302 control chromosomes. The available data on variant occurrences in the general population are insufficient to allow any conclusion about variant significance. To our knowledge, no occurrence of c.13210C>T in individuals affected with ADGRV1-Related Disorders and no experimental evidence demonstrating its impact on protein function have been reported. ClinVar contains an entry for this variant (Variation ID: 1389803). Based on the evidence outlined above, the variant was classified as uncertain significance.

Labcorp Genetics (formerly Invitae), Labcorp
Classification: Uncertain significance. Last evaluated: 2021-12-03. Review status: criteria provided, single submitter. Criteria: Invitae Variant Classification Sherloc (09022015). Collection method: clinical testing. Allele origin: germline.
Comment: This sequence change replaces proline, which is neutral and non-polar, with serine, which is neutral and polar, at codon 4404 of the ADGRV1 protein (p.Pro4404Ser). This variant is not present in population databases (gnomAD no frequency). This variant has not been reported in the literature in individuals affected with ADGRV1-related conditions. Algorithms developed to predict the effect of missense changes on protein structure and function are either unavailable or do not agree on the potential impact of this missense change (SIFT: "Tolerated"; PolyPhen-2: "Probably Damaging"; Align-GVGD: "Class C0"). In summary, the available evidence is currently insufficient to determine the role of this variant in disease. Therefore, it has been classified as a Variant of Uncertain Significance.

NM_032119.4(ADGRV1):c.13210C>T (p.Pro4404Ser)

Gene: ADGRV1 (adhesion G protein-coupled receptor V1; plus strand). Cytogenetic location: 5q14.3.
Variant type: single nucleotide variant.
Coding change: c.13210C>T on transcript NM_032119.4 (MANE Select); coding-DNA position 13210, C replaced by T.
Protein change: p.Pro4404Ser; replaces proline 4404 with serine.
Molecular consequence: missense variant. On other transcripts: non-coding transcript variant (1).
Genome position (GRCh38, 1-based): chr5:90,781,557, C>T. VCF-style: chr5-90781557-C-T. GRCh37 (hg19) VCF-style: chr5-90077374-C-T.
Other names: c.13210C>T (NM_032119.3); short protein forms P4404S.
Identifiers: ClinVar variation 1389803 (VCV001389803.5), dbSNP rs1422670381, ClinGen allele CA360392142.